The following is an entry in ClinVar:

ClinVar aggregate classification (germline): Conflicting classifications of pathogenicity. Review status: criteria provided, conflicting classifications (1 of 4 stars). 2 submissions from 2 submitters: Likely pathogenic (1); Uncertain significance (1). Last evaluated 2026-07-01.

Conditions:
Fliedner-Zweier syndrome (FZS). Identifiers: MedGen C5882693, MONDO:0957787, OMIM 620511.

Submissions (2):

CeGaT Center for Human Genetics Tuebingen
Classification: Uncertain significance. Last evaluated: 2026-07-01. Review status: criteria provided, single submitter. Criteria: CeGaT Center For Human Genetics Tuebingen Variant Classification Criteria Version 2. Collection method: clinical testing. Allele origin: germline. Affected: yes. Observed: 1 variant allele.
Comment: SCAF4: PM2, PVS1:Moderate

Clinical Genetics Service, Universitary Hospital 12 de Octubre
Classification: Likely pathogenic for Fliedner-Zweier syndrome. Review status: criteria provided, single submitter. Criteria: ACMG Guidelines, 2015. Collection method: clinical testing. Allele origin: germline. Affected: yes.

NM_020706.2(SCAF4):c.25C>T (p.Gln9Ter)

Genes: SCAF4 (SR-related CTD associated factor 4; minus strand), LOC130066536 (ATAC-STARR-seq lymphoblastoid silent region 13243; plus strand). Cytogenetic location: 21q22.11.
Variant type: single nucleotide variant.
Coding change: c.25C>T on transcript NM_020706.2 (MANE Select); coding-DNA position 25, C replaced by T.
Protein change: p.Gln9Ter; replaces glutamine 9 with a stop codon.
Molecular consequence: nonsense.
Genome position (GRCh38, 1-based): chr21:31,731,668, G>A on the plus strand (C>T on the coding strand, the complement: SCAF4 is on the minus strand). VCF-style: chr21-31731668-G-A. GRCh37 (hg19) VCF-style: chr21-33103981-G-A.
Other names: c.25C>T, p.Gln9Ter (NM_001145444.1, NM_001145445.1); short protein forms Q9*.
Identifiers: ClinVar variation 5040208 (VCV005040208.2).